The following is an entry in ClinVar:

NM_001009944.3(PKD1):c.2097+1G>A

Gene: PKD1 (polycystin 1, transient receptor potential channel interacting; minus strand). Cytogenetic location: 16p13.3.
Variant type: single nucleotide variant.
Coding change: c.2097+1G>A on transcript NM_001009944.3 (MANE Select); the canonical splice donor site of the intron after coding-DNA position 2097, G replaced by A.
Molecular consequence: splice donor variant.
Genome position (GRCh38, 1-based): chr16:2,115,377, C>T on the plus strand (G>A on the coding strand, the complement: PKD1 is on the minus strand). VCF-style: chr16-2115377-C-T. GRCh37 (hg19) VCF-style: chr16-2165378-C-T.
Other names: c.2097+1G>A (NM_000296.4).
Identifiers: ClinVar variation 1179052 (VCV001179052.5), dbSNP rs2151816064, ClinGen allele CA394389426.

ClinVar aggregate classification (germline): Pathogenic/Likely pathogenic. Review status: criteria provided, multiple submitters, no conflicts (2 of 4 stars). 3 submissions from 3 submitters: Pathogenic (2); Likely pathogenic (1). Last evaluated 2026-05-25.

Conditions:
Polycystic kidney disease, adult type (PKD1). Also called: Polycystic Kidney Disease 1, Autosomal Dominant; Polycystic kidney disease 1; Polycystic kidney disease 1, severe; Polycystic Kidney, Autosomal Dominant; POLYCYSTIC KIDNEY DISEASE 1 WITH OR WITHOUT POLYCYSTIC LIVER DISEASE; POLYCYSTIC KIDNEY DISEASE, ADULT, TYPE I. Identifiers: MedGen C3149841, MONDO:0008263, OMIM 173900.
PKD1-related disorder. Also called: PKD1-related condition.

Submissions (3):

PreventionGenetics, part of Exact Sciences
Classification: Pathogenic for PKD1-related condition. Last evaluated: 2026-05-25. Review status: criteria provided, single submitter. Criteria: ACMG Guidelines, 2015. Collection method: clinical testing. Allele origin: germline.
Comment: The PKD1 c.2097+1G>A variant is predicted to disrupt the GT donor site and interfere with normal splicing. This variant has been reported in individuals with autosomal dominant polycystic kidney disease (ADPKD) (Supplementary Data, Lindemann et al. 2023. PubMed ID: 36938073; Table S3, Bleyer et al. 2022. PubMed ID: 35325889). This variant has not been reported in a large population database (gnomAD), indicating this variant is rare. Variants that disrupt the consensus splice donor site in PKD1 are expected to be pathogenic. This variant is interpreted as pathogenic.

Victorian Clinical Genetics Services, Murdoch Childrens Research Institute
Classification: Pathogenic for Polycystic kidney disease, adult type. Last evaluated: 2026-05-11. Review status: criteria provided, single submitter. Criteria: ACMG Guidelines, 2015. Collection method: clinical testing. Allele origin: germline. Affected: yes.
Comment: This variant is classified as Pathogenic. Evidence in support of pathogenic classification: Canonical splice site variant without proven consequence on splicing (no functional evidence available); Variant is absent from gnomAD (v2, v3 and v4); This variant has moderate previous evidence of pathogenicity in unrelated individuals. This variant has been classified as likely pathogenic by a clinical laboratory in ClinVar, and has been reported in the ADPKD database. This variant has also been reported in the literature as heterozygous in a cohort of ADPKD patients (PMID: 36938073); Other splice region variant(s) comparable to the one identified in this case have moderate previous evidence for pathogenicity. c.2097+1G>T and c.2097+2T>G have been reported in the literature in cohorts of ADPKD patients (PMIDs: 39731278, 26150605); Abnormal splicing is predicted by in silico tool and affected nucleotide is highly conserved. Additional information: This variant is heterozygous; This gene is associated with autosomal dominant disease. Polycystic kidney disease 1 (MIM#173900) is predominantly caused by monoallelic variants, with rare reports of biallelic variants causing disease (OMIM); No published evidence of segregation with disease has been identified for this variant; No published functional evidence has been identified for this variant; Loss of function is a known mechanism of disease in this gene and is associated with polycystic kidney disease 1 (MIM#173900); Inheritance information for this variant is not currently available in this individual.

Fulgent Genetics
Classification: Likely pathogenic for Polycystic kidney disease, adult type. Last evaluated: 2021-07-17. Review status: criteria provided, single submitter. Criteria: ACMG Guidelines, 2015. Collection method: clinical testing. Allele origin: unknown.

Literature cited by the submitters: PubMed 39731278 (cited by Victorian Clinical Genetics Services, Murdoch Childrens Research Institute); PubMed 26150605 (cited by Victorian Clinical Genetics Services, Murdoch Childrens Research Institute); PubMed 36938073 (cited by Victorian Clinical Genetics Services, Murdoch Childrens Research Institute).